The following is an entry in ClinVar:

ClinVar aggregate classification (germline): Uncertain significance (1 of 4 stars; one submission).

Submission:

Greenwood Genetic Center Diagnostic Laboratories, Greenwood Genetic Center
Classification: Uncertain significance. Last evaluated: 2025-05-27. Review status: criteria provided, single submitter. Criteria: ACMG Guidelines, 2015. Collection method: clinical testing. Allele origin: germline. Affected: yes.
Comment: PM2, PM3_Supporting, BP4

NM_000053.4(ATP7B):c.2866-1483C>T

Gene: ATP7B (ATPase copper transporting beta; minus strand). Cytogenetic location: 13q14.3.
Variant type: single nucleotide variant.
Coding change: c.2866-1483C>T on transcript NM_000053.4 (MANE Select); 1483 bases into the intron before coding-DNA position 2866, C replaced by T.
Molecular consequence: intron variant.
Genome position (GRCh38, 1-based): chr13:51,947,961, G>A on the plus strand (C>T on the coding strand, the complement: ATP7B is on the minus strand). VCF-style: chr13-51947961-G-A. GRCh37 (hg19) VCF-style: chr13-52522097-G-A.
Other names: c.2380-1483C>T (NM_001406541.1, NM_001406542.1); c.2614-1483C>T (NM_001406531.1, NM_001406532.1, NM_001330579.2); c.2632-1483C>T (NM_001406527.1, NM_001406528.1, NM_001406538.1 and 1 more transcripts); c.2721+1701C>T (NM_001406537.1); c.2722-1483C>T (NM_001406521.1, NM_001406522.1, NM_001406520.1); c.2866-1483C>T (NM_001406513.1, NM_001406511.1, NM_001406512.1 and 2 more transcripts); c.2518-1483C>T (NM_001406543.1); c.2812-1483C>T (NM_001406516.1, NM_001406515.1); and 18 more.
Identifiers: ClinVar variation 4538259 (VCV004538259.1).